The following is an entry in ClinVar:

NM_005219.5(DIAPH1):c.2779-3T>C

Gene: DIAPH1 (diaphanous related formin 1; minus strand). Cytogenetic location: 5q31.3.
Variant type: single nucleotide variant.
Coding change: c.2779-3T>C on transcript NM_005219.5 (MANE Select); 3 bases into the intron before coding-DNA position 2779, T replaced by C.
Molecular consequence: intron variant.
Genome position (GRCh38, 1-based): chr5:141,528,944, A>G on the plus strand (T>C on the coding strand, the complement: DIAPH1 is on the minus strand). VCF-style: chr5-141528944-A-G. GRCh37 (hg19) VCF-style: chr5-140908511-A-G.
Other names: c.2752-3T>C (NM_001079812.3); c.2779-3T>C (NM_001314007.2).
Identifiers: ClinVar variation 4782667 (VCV004782667.1).

ClinVar aggregate classification (germline): Uncertain significance (1 of 4 stars; one submission).

Conditions:
Autosomal dominant nonsyndromic hearing loss 1. Also called: KONIGSMARK SYNDROME; DEAFNESS, AUTOSOMAL DOMINANT 1, WITH OR WITHOUT THROMBOCYTOPENIA. Identifiers: Orphanet 90635, MedGen C1852282, MONDO:0007424, OMIM 124900.
Progressive microcephaly-seizures-cortical blindness-developmental delay syndrome. Also called: Seizures, cortical blindness, and microcephaly syndrome. Identifiers: Orphanet 477814, MedGen C5567650, MONDO:0014714, OMIM 616632.

gnomAD v4.1: 18 of 1,613,668 alleles (0.0011%); highest among the groups gnomAD compares: Non-Finnish European, 0.0014%; no homozygotes.

Submission:

Labcorp Genetics (formerly Invitae), Labcorp
Classification: Uncertain significance for Progressive microcephaly-seizures-cortical blindness-developmental delay syndrome; Autosomal dominant nonsyndromic hearing loss 1. Last evaluated: 2025-09-05. Review status: criteria provided, single submitter. Criteria: Invitae Variant Classification Sherloc (09022015). Collection method: clinical testing. Allele origin: germline.
Comment: This sequence change falls in intron 21 of the DIAPH1 gene. It does not directly change the encoded amino acid sequence of the DIAPH1 protein. It affects a nucleotide within the consensus splice site. This variant is present in population databases (rs777510302, gnomAD 0.002%). This variant has not been reported in the literature in individuals affected with DIAPH1-related conditions. Variants that disrupt the consensus splice site are a relatively common cause of aberrant splicing (PMID: 17576681, 9536098). Algorithms developed to predict the effect of sequence changes on RNA splicing suggest that this variant is not likely to affect RNA splicing. In summary, the available evidence is currently insufficient to determine the role of this variant in disease. Therefore, it has been classified as a Variant of Uncertain Significance.

Literature cited by the submitters: PubMed 17576681; PubMed 9536098.